The following is an entry in ClinVar:

ClinVar aggregate classification (germline): Uncertain significance (1 of 4 stars; one submission).

Conditions:
Developmental and epileptic encephalopathy, 23 (DEE23). Also called: Epileptic encephalopathy, early infantile, 23. Identifiers: Orphanet 411986, MedGen C4014492, MONDO:0014371, OMIM 615859.

Allele frequency attached by ClinVar (database versions not stated): gnomAD exomes below 0.00001 and 0.00001; gnomAD 0.00001; TOPMed 0.00001; ExAC 0.00003; ESP Exome Variant Server 0.00015; 1000 Genomes Project 30x 0.00016; 1000 Genomes Project 0.00020.
gnomAD v4.1: 2 of 1,608,612 alleles (0.00012%); highest among the groups gnomAD compares: African/African-American, 0.0013%; no homozygotes.

Submission:

Labcorp Genetics (formerly Invitae), Labcorp
Classification: Uncertain significance for Developmental and epileptic encephalopathy, 23. Last evaluated: 2021-02-24. Review status: criteria provided, single submitter. Criteria: Invitae Variant Classification Sherloc (09022015). Collection method: clinical testing. Allele origin: germline.
Comment: This sequence change replaces leucine with proline at codon 1532 of the DOCK7 protein (p.Leu1532Pro). The leucine residue is highly conserved and there is a moderate physicochemical difference between leucine and proline. This variant is present in population databases (rs140731860, ExAC 0.03%). This variant has not been reported in the literature in individuals with DOCK7-related conditions. Algorithms developed to predict the effect of missense changes on protein structure and function (SIFT, PolyPhen-2, Align-GVGD) all suggest that this variant is likely to be disruptive, but these predictions have not been confirmed by published functional studies and their clinical significance is uncertain. In summary, the available evidence is currently insufficient to determine the role of this variant in disease. Therefore, it has been classified as a Variant of Uncertain Significance.

NM_001367561.1(DOCK7):c.4622T>C (p.Leu1541Pro)

Gene: DOCK7 (dedicator of cytokinesis 7; minus strand). Cytogenetic location: 1p31.3.
Variant type: single nucleotide variant.
Coding change: c.4622T>C on transcript NM_001367561.1 (MANE Select); coding-DNA position 4622, T replaced by C.
Protein change: p.Leu1541Pro; replaces leucine 1541 with proline.
Molecular consequence: missense variant.
Genome position (GRCh38, 1-based): chr1:62,504,772, A>G on the plus strand (T>C on the coding strand, the complement: DOCK7 is on the minus strand). VCF-style: chr1-62504772-A-G. GRCh37 (hg19) VCF-style: chr1-62970443-A-G.
Other names: c.4595T>C, p.Leu1532Pro (NM_001271999.2, NM_001330614.2); c.4502T>C, p.Leu1501Pro (NM_001272000.2, NM_001272001.2); c.4529T>C, p.Leu1510Pro (NM_033407.4); short protein forms L1501P, L1532P, L1541P, L1510P.
Identifiers: ClinVar variation 1375516 (VCV001375516.8), dbSNP rs140731860, ClinGen allele CA885646.